The following is an entry in ClinVar:

NM_006567.5(FARS2):c.694del (p.Thr232fs)

Gene: FARS2 (phenylalanyl-tRNA synthetase 2, mitochondrial; plus strand). Cytogenetic location: 6p25.1.
Variant type: Deletion.
Coding change: c.694del on transcript NM_006567.5 (MANE Select); coding-DNA position 694, one base deleted (A; older notation c.694delA).
Protein change: p.Thr232fs; shifts the reading frame from threonine 232.
Molecular consequence: frameshift variant. On other transcripts: 5 prime UTR variant (2).
Genome position (GRCh38, 1-based): chr6:5,404,623, A deleted. VCF-style (leftmost placement, unchanged base first): chr6-5404622-CA-C. GRCh37 (hg19) VCF-style: chr6-5404855-CA-C.
Other names: c.694del, p.Thr232fs (NM_001318872.2, NM_001374875.1, NM_001374876.1 and 5 more transcripts); c.-3del (NM_001375259.1, NM_001375260.1); short protein forms T232fs.
Identifiers: ClinVar variation 1452947 (VCV001452947.6), dbSNP rs2127718679, ClinGen allele CA2573140728.

ClinVar aggregate classification (germline): Pathogenic (1 of 4 stars; one submission).

Conditions:
Combined oxidative phosphorylation defect type 14. Also called: Combined oxidative phosphorylation deficiency 14. Identifiers: Orphanet 319519, MedGen C4755312, MONDO:0013986, OMIM 614946.

Submission:

Labcorp Genetics (formerly Invitae), Labcorp
Classification: Pathogenic for Combined oxidative phosphorylation defect type 14. Last evaluated: 2024-08-13. Review status: criteria provided, single submitter. Criteria: Invitae Variant Classification Sherloc (09022015). Collection method: clinical testing. Allele origin: germline.
Comment: This sequence change creates a premature translational stop signal (p.Thr232Profs*5) in the FARS2 gene. It is expected to result in an absent or disrupted protein product. Loss-of-function variants in FARS2 are known to be pathogenic (PMID: 22833457). This variant is not present in population databases (gnomAD no frequency). This variant has not been reported in the literature in individuals affected with FARS2-related conditions. ClinVar contains an entry for this variant (Variation ID: 1452947). For these reasons, this variant has been classified as Pathogenic.

Literature cited by the submitters: PubMed 22833457.